The following is an entry in ClinVar:

NC_000009.12:g.35658018_35658039dup

Gene: RMRP (RNA component of mitochondrial RNA processing endoribonuclease; minus strand). Cytogenetic location: 9p13.3.
Variant type: Duplication.
Genome position: GRCh38 VCF-style: chr9-35658017-C-CCACGTCCTCAGCTTCACAGAGT. GRCh37 (hg19) VCF-style: chr9-35658014-C-CCACGTCCTCAGCTTCACAGAGT.
Identifiers: ClinVar variation 4711928 (VCV004711928.1).
Genomic context (GRCh38, chr9:35,658,017, plus strand): 5'-CGGAAAGGGGAGGAACAGAGTCCTCAGTGTGTAGCCTAGGATACAGGCCTTCAGCACGAA[C>CCACGTCCTCAGCTTCACAGAGT]CACGTCCTCAGCTTCACAGAGTAGTATTTTATAGCCCTAAAGAAATTGTGTTTTATGATT-3'

ClinVar aggregate classification (germline): Pathogenic (1 of 4 stars; one submission).

Conditions:
Anauxetic dysplasia. Identifiers: Orphanet 93347, MedGen C1846796, MONDO:0011773.

Submission:

Labcorp Genetics (formerly Invitae), Labcorp
Classification: Pathogenic for Anauxetic dysplasia. Last evaluated: 2025-07-31. Review status: criteria provided, single submitter. Criteria: Invitae Variant Classification Sherloc (09022015). Collection method: clinical testing. Allele origin: germline.
Comment: This variant occurs in the RMRP gene, which encodes an RNA molecule that does not result in a protein product. This variant is not present in population databases (gnomAD no frequency). While this particular variant has not been reported in the literature, it is located in the promoter region between the TATA box and the transcription initiation site, and other insertions and duplications immediately upstream of the coding sequence have been reported in individuals affected with cartilage-hair hypoplasia-anauxetic dysplasia (CHH-AD) spectrum disorders (PMID: 16244706, 11207361, 12107819). While functional studies for this variant have not been reported, experimental analyses using patient derived cells, as well as in vitro transfection studies, have shown that promoter insertions result in silencing of RMRP transcription and reduced expression of the gene product (PMID: 11207361, 16254002). For these reasons, this variant has been classified as Pathogenic.

Literature cited by the submitters: PubMed 16244706; PubMed 11207361; PubMed 12107819; PubMed 16254002.